The following is an entry in ClinVar:

NM_024649.5(BBS1):c.1205T>C (p.Leu402Pro)

Genes: BBS1 (Bardet-Biedl syndrome 1; plus strand), ZDHHC24 (zDHHC palmitoyltransferase 24; minus strand). Cytogenetic location: 11q13.2.
Variant type: single nucleotide variant.
Coding change: c.1205T>C on transcript NM_024649.5 (MANE Select); coding-DNA position 1205, T replaced by C.
Protein change: p.Leu402Pro; replaces leucine 402 with proline.
Molecular consequence: missense variant. On other transcripts: intron variant (1).
Genome position (GRCh38, 1-based): chr11:66,526,673, T>C. VCF-style: chr11-66526673-T-C. GRCh37 (hg19) VCF-style: chr11-66294144-T-C.
Other names: c.*21+263A>G (NM_001348571.2); short protein forms L402P.
Identifiers: ClinVar variation 988658 (VCV000988658.9), dbSNP rs767150997, ClinGen allele CA6123674.

ClinVar aggregate classification (germline): Conflicting classifications of pathogenicity. Review status: criteria provided, conflicting classifications (1 of 4 stars). 4 submissions from 4 submitters: Likely pathogenic (1); Uncertain significance (3). Last evaluated 2026-08-26.

Conditions:
BBS1-related disorder. Also called: BBS1-related condition.
Bardet-Biedl syndrome (BBS). Identifiers: Orphanet 110, MedGen C0752166, MONDO:0015229.
Retinal dystrophy. Also called: Inherited retinal dystrophy. Identifiers: Orphanet 71862, MedGen C0854723, MeSH D058499, MONDO:0019118, HP:0000556.

Allele frequency attached by ClinVar (database versions not stated): gnomAD exomes below 0.00001 and 0.00001; ExAC 0.00001.
gnomAD v4.1: 3 of 1,614,216 alleles (0.00019%); highest among the groups gnomAD compares: Admixed American, 0.0033%; no homozygotes.

Submissions (4):

PreventionGenetics, part of Exact Sciences
Classification: Uncertain significance for BBS1-related condition. Last evaluated: 2026-08-26. Review status: criteria provided, single submitter. Criteria: ACMG Guidelines, 2015. Collection method: clinical testing. Allele origin: germline.
Comment: The BBS1 c.1205T>C variant is predicted to result in the amino acid substitution p.Leu402Pro. This variant has been reported in the compound heterozygous state with a nonsense BBS1 variant (c.1645G>T; p.Glu549*) in an individual with cone-rod dystrophy (Table S2, Del Pozo-Valero et al. 2022. PubMed ID: 35119454). This variant is reported in 0.0029% of alleles in individuals of Latino descent in gnomAD. At this time, the clinical significance of this variant is uncertain due to the absence of conclusive functional and genetic evidence.

Labcorp Genetics (formerly Invitae), Labcorp
Classification: Uncertain significance for Bardet-Biedl syndrome. Last evaluated: 2022-09-13. Review status: criteria provided, single submitter. Criteria: Invitae Variant Classification Sherloc (09022015). Collection method: clinical testing. Allele origin: germline.
Comment: This sequence change replaces leucine, which is neutral and non-polar, with proline, which is neutral and non-polar, at codon 402 of the BBS1 protein (p.Leu402Pro). This variant is present in population databases (rs767150997, gnomAD 0.003%). This variant has not been reported in the literature in individuals affected with BBS1-related conditions. ClinVar contains an entry for this variant (Variation ID: 988658). Advanced modeling of protein sequence and biophysical properties (such as structural, functional, and spatial information, amino acid conservation, physicochemical variation, residue mobility, and thermodynamic stability) performed at Invitae indicates that this missense variant is expected to disrupt BBS1 protein function. In summary, the available evidence is currently insufficient to determine the role of this variant in disease. Therefore, it has been classified as a Variant of Uncertain Significance.

Institute of Human Genetics, Univ. Regensburg, Univ. Regensburg
Classification: Uncertain significance for Retinal dystrophy. Last evaluated: 2020-01-01. Review status: criteria provided, single submitter. Criteria: ACMG Guidelines, 2015. Collection method: clinical testing. Allele origin: germline. Affected: yes.

Department of Genetics, Fundacion Jimenez Diaz University Hospital
Classification: Likely pathogenic for Retinal dystrophy. Review status: criteria provided, single submitter. Criteria: ACMG Guidelines, 2015. Collection method: clinical testing. Allele origin: germline. Affected: yes. Observed: 3 variant alleles.
Comment: The variant is present in population databases (gnomAD_exomes 0.004%). Is a missense variant in a gene that has a low rate of benign missense variation and in which missense variants are a common mechanism of disease. This variant is predicted deleterious by in-silico pathogenicity predictors. This variant cosegregates with the disease in two affected sisters. (ACMG: PM2: Moderate; PP1 Supporting; PP2 Supporting; PP3 Supporting)

Literature cited by the submitters: PubMed 35119454 (cited by Institute of Human Genetics, Univ. Regensburg, Univ. Regensburg).